The following is an entry in ClinVar:

ClinVar aggregate classification (germline): Uncertain significance. Review status: criteria provided, multiple submitters, no conflicts (2 of 4 stars). 3 submissions from 3 submitters: Uncertain significance (2). 1 of the submissions does not count toward it. Last evaluated 2024-06-26.

Conditions:
Inborn genetic diseases. Identifiers: MedGen C0950123, MeSH D030342.
Intellectual disability. Also called: Intellectual developmental disorder; Intellectual functioning disability; intellectual disabilities. Identifiers: MedGen C3714756, MeSH D008607, MONDO:0001071, HP:0001249.

Allele frequency attached by ClinVar (database versions not stated): gnomAD exomes below 0.00001; gnomAD 0.00001.

Submissions (3):

GeneDx
Classification: Uncertain significance. Last evaluated: 2024-06-26. Review status: criteria provided, single submitter. Criteria: GeneDx Variant Classification Process June 2021. Collection method: clinical testing. Allele origin: germline. Affected: yes.
Comment: Not observed at significant frequency in large population cohorts (gnomAD); In silico analysis indicates that this missense variant does not alter protein structure/function; Has not been previously published as pathogenic or benign to our knowledge

Ambry Genetics
Classification: Uncertain significance for Inborn genetic diseases. Last evaluated: 2016-09-22. Review status: criteria provided, single submitter. Criteria: Ambry Variant Classification Scheme 2023. Collection method: clinical testing. Allele origin: germline.
Comment: The p.R374Q variant (also known as c.1121G>A), located in coding exon 8 of the CACNA1A gene, results from a G to A substitution at nucleotide position 1121. The arginine at codon 374 is replaced by glutamine, an amino acid with highly similar properties. This amino acid position is not well conserved in available vertebrate species. In addition, the in silico prediction for this alteration is inconclusive. Since supporting evidence is limited at this time, the clinical significance of this alteration remains unclear.

Centre de Biologie Pathologie Génétique, Centre Hospitalier Universitaire de Lille
Classification: Likely benign for Intellectual disability. Last evaluated: 2019-01-01. Review status: no assertion criteria provided. Collection method: clinical testing. Allele origin: inherited. Affected: yes. Not counted in ClinVar's aggregate classification.

NM_001127222.2(CACNA1A):c.1121G>A (p.Arg374Gln)

Gene: CACNA1A (calcium voltage-gated channel subunit alpha1 A; minus strand). Cytogenetic location: 19p13.13.
Variant type: single nucleotide variant.
Coding change: c.1121G>A on transcript NM_001127222.2 (MANE Select); coding-DNA position 1121, G replaced by A.
Protein change: p.Arg374Gln; replaces arginine 374 with glutamine.
Molecular consequence: missense variant.
Genome position (GRCh38, 1-based): chr19:13,334,455, C>T on the plus strand (G>A on the coding strand, the complement: CACNA1A is on the minus strand). VCF-style: chr19-13334455-C-T. GRCh37 (hg19) VCF-style: chr19-13445269-C-T.
Other names: c.1121G>A, p.Arg374Gln (NM_000068.4, NM_001127221.2, NM_001174080.2 and 1 more transcripts); short protein forms R374Q.
Identifiers: ClinVar variation 589407 (VCV000589407.7), dbSNP rs865831227, ClinGen allele CA305539881.